The following is an entry in ClinVar:

ClinVar aggregate classification (germline): Benign/Likely benign. Review status: criteria provided, multiple submitters, no conflicts (2 of 4 stars). 3 submissions from 3 submitters: Benign (1); Likely benign (2). Last evaluated 2025-08-31.

Conditions:
Intellectual developmental disorder, autosomal dominant 6, with or without seizures. Also called: Intellectual disability, autosomal dominant 6; GRIN2B-related developmental delay, intellectual disability and autism spectrum disorder. Identifiers: Orphanet 589547, MedGen C3151411, MONDO:0013509, OMIM 613970.
Developmental and epileptic encephalopathy, 27 (DEE27). Also called: Epileptic encephalopathy, early infantile, 27; GRIN2B-Related Neurodevelopmental Disorder. Identifiers: Orphanet 3451, MedGen C4015316, MONDO:0014505, OMIM 616139.

Allele frequency attached by ClinVar (database versions not stated): TOPMed 0.00006; ESP Exome Variant Server 0.00008.
gnomAD v4.1: 174 of 1,613,728 alleles (0.011%); highest among the groups gnomAD compares: Non-Finnish European, 0.013%; no homozygotes.

Submissions (3):

Labcorp Genetics (formerly Invitae), Labcorp
Classification: Benign for Developmental and epileptic encephalopathy, 27; Intellectual developmental disorder, autosomal dominant 6, with or without seizures. Last evaluated: 2025-08-31. Review status: criteria provided, single submitter. Criteria: Invitae Variant Classification Sherloc (09022015). Collection method: clinical testing. Allele origin: germline.

CeGaT Center for Human Genetics Tuebingen
Classification: Likely benign. Last evaluated: 2025-05-01. Review status: criteria provided, single submitter. Criteria: CeGaT Center For Human Genetics Tuebingen Variant Classification Criteria Version 2. Collection method: clinical testing. Allele origin: germline. Affected: yes. Observed: 1 variant allele.
Comment: GRIN2B: BP4, BS2

GeneDx
Classification: Likely benign. Last evaluated: 2019-01-16. Review status: criteria provided, single submitter. Criteria: GeneDx Variant Classification Process June 2021. Collection method: clinical testing. Allele origin: germline. Affected: yes.

NM_000834.5(GRIN2B):c.1147T>A (p.Ser383Thr)

Gene: GRIN2B (glutamate ionotropic receptor NMDA type subunit 2B; minus strand). Cytogenetic location: 12p13.1.
Variant type: single nucleotide variant.
Coding change: c.1147T>A on transcript NM_000834.5 (MANE Select); coding-DNA position 1147, T replaced by A.
Protein change: p.Ser383Thr; replaces serine 383 with threonine.
Molecular consequence: missense variant.
Genome position (GRCh38, 1-based): chr12:13,616,636, A>T on the plus strand (T>A on the coding strand, the complement: GRIN2B is on the minus strand). VCF-style: chr12-13616636-A-T. GRCh37 (hg19) VCF-style: chr12-13769570-A-T.
Other names: short protein forms S383T.
Identifiers: ClinVar variation 234314 (VCV000234314.25), dbSNP rs199671864, ClinGen allele CA6461285.